The following is an entry in ClinVar:

NM_145207.3(AFG2A):c.1978C>T (p.Pro660Ser)

Gene: AFG2A (AFG2 AAA ATPase homolog A; plus strand). Cytogenetic location: 4q28.1.
Variant type: single nucleotide variant.
Coding change: c.1978C>T on transcript NM_145207.3 (MANE Select); coding-DNA position 1978, C replaced by T.
Protein change: p.Pro660Ser; replaces proline 660 with serine.
Molecular consequence: missense variant.
Genome position (GRCh38, 1-based): chr4:123,028,294, C>T. VCF-style: chr4-123028294-C-T. GRCh37 (hg19) VCF-style: chr4-123949449-C-T.
Other names: c.1975C>T, p.Pro659Ser (NM_001317799.2, NM_001345856.2); short protein forms P659S, P660S.
Identifiers: ClinVar variation 847616 (VCV000847616.6), dbSNP rs750430267, ClinGen allele CA3070596.

ClinVar aggregate classification (germline): Uncertain significance. Review status: criteria provided, multiple submitters, no conflicts (2 of 4 stars). 3 submissions from 3 submitters: Uncertain significance (3). Last evaluated 2024-09-27.

Conditions:
Inborn genetic diseases. Identifiers: MedGen C0950123, MeSH D030342.
Microcephaly-intellectual disability-sensorineural hearing loss-epilepsy-abnormal muscle tone syndrome (NEDHSB). Also called: NEURODEVELOPMENTAL DISORDER WITH HEARING LOSS, SEIZURES, AND BRAIN ABNORMALITIES. Identifiers: Orphanet 457351, MedGen C4225276, MONDO:0014698, OMIM 616577.

Allele frequency attached by ClinVar (database versions not stated): TOPMed 0.00002; gnomAD exomes 0.00003 and 0.00007; ExAC 0.00005.
gnomAD v4.1: 19 of 1,614,046 alleles (0.0012%); highest among the groups gnomAD compares: Admixed American, 0.03%; no homozygotes.

Submissions (3):

Ambry Genetics
Classification: Uncertain significance for Inborn genetic diseases. Last evaluated: 2024-09-27. Review status: criteria provided, single submitter. Criteria: Ambry Variant Classification Scheme 2023. Collection method: clinical testing. Allele origin: germline.

Labcorp Genetics (formerly Invitae), Labcorp
Classification: Uncertain significance for Microcephaly-intellectual disability-sensorineural hearing loss-epilepsy-abnormal muscle tone syndrome. Last evaluated: 2022-10-18. Review status: criteria provided, single submitter. Criteria: Invitae Variant Classification Sherloc (09022015). Collection method: clinical testing. Allele origin: germline.
Comment: This sequence change replaces proline, which is neutral and non-polar, with serine, which is neutral and polar, at codon 660 of the SPATA5 protein (p.Pro660Ser). This variant is present in population databases (rs750430267, gnomAD 0.05%). This variant has not been reported in the literature in individuals affected with SPATA5-related conditions. ClinVar contains an entry for this variant (Variation ID: 847616). Algorithms developed to predict the effect of missense changes on protein structure and function (SIFT, PolyPhen-2, Align-GVGD) all suggest that this variant is likely to be disruptive. In summary, the available evidence is currently insufficient to determine the role of this variant in disease. Therefore, it has been classified as a Variant of Uncertain Significance.

Fulgent Genetics
Classification: Uncertain significance for Microcephaly-intellectual disability-sensorineural hearing loss-epilepsy-abnormal muscle tone syndrome. Last evaluated: 2021-12-22. Review status: criteria provided, single submitter. Criteria: ACMG Guidelines, 2015. Collection method: clinical testing. Allele origin: unknown.